The following is an entry in ClinVar:

ClinVar aggregate classification (germline): Pathogenic (1 of 4 stars; one submission).

Conditions:
X-linked severe congenital neutropenia (SCNX). Identifiers: Orphanet 86788, MedGen C1845987, MONDO:0010294, OMIM 300299.
Thrombocytopenia 1. Also called: THROMBOCYTOPENIA, X-LINKED, 1; X-linked thrombocytopenia with normal platelets; X-Linked Thrombocytopenia (XLT). Identifiers: Orphanet 268322, Orphanet 852, MedGen C1839163, MONDO:0010743, OMIM 313900.
Wiskott-Aldrich syndrome (WAS). Also called: ALDRICH SYNDROME; IMMUNODEFICIENCY 2; WISKOTT-ALDRICH SYNDROME 1; Wiskott-aldrich syndrome, somatic. Identifiers: Orphanet 906, MedGen C0043194, MONDO:0010518, OMIM 301000.

Submission:

Labcorp Genetics (formerly Invitae), Labcorp
Classification: Pathogenic for Wiskott-Aldrich syndrome; X-linked severe congenital neutropenia; Thrombocytopenia 1. Last evaluated: 2025-02-17. Review status: criteria provided, single submitter. Criteria: Invitae Variant Classification Sherloc (09022015). Collection method: clinical testing. Allele origin: germline.
Comment: This sequence change creates a premature translational stop signal (p.Arg138Profs*31) in the WAS gene. It is expected to result in an absent or disrupted protein product. Loss-of-function variants in WAS are known to be pathogenic (PMID: 15284122). This variant is not present in population databases (gnomAD no frequency). This variant has not been reported in the literature in individuals affected with WAS-related conditions. ClinVar contains an entry for this variant (Variation ID: 2029720). For these reasons, this variant has been classified as Pathogenic.

Literature cited by the submitters: PubMed 15284122.

NM_000377.3(WAS):c.412dup (p.Arg138fs)

Gene: WAS (WASP actin nucleation promoting factor; plus strand). Cytogenetic location: Xp11.23.
Variant type: Duplication.
Coding change: c.412dup on transcript NM_000377.3 (MANE Select); coding-DNA position 412, one base duplicated (C; older notation c.412dupC).
Protein change: p.Arg138fs; shifts the reading frame from arginine 138.
Molecular consequence: frameshift variant.
Genome position (GRCh38, 1-based): chrX:48,685,785, C duplicated; the last of 2 consecutive C bases (chrX:48,685,784-48,685,785); duplicating either gives the same sequence. VCF-style (leftmost placement, unchanged base first): chrX-48685783-T-TC. GRCh37 (hg19) VCF-style: chrX-48544172-T-TC.
Other names: short protein forms R138fs.
Identifiers: ClinVar variation 2029720 (VCV002029720.4), dbSNP rs2519280880, ClinGen allele CA2580101047.